The following is an entry in ClinVar:

NM_015295.3(SMCHD1):c.608C>T (p.Ser203Leu)

Gene: SMCHD1 (structural maintenance of chromosomes flexible hinge domain containing 1; plus strand). Cytogenetic location: 18p11.32.
Variant type: single nucleotide variant.
Coding change: c.608C>T on transcript NM_015295.3 (MANE Select); coding-DNA position 608, C replaced by T.
Protein change: p.Ser203Leu; replaces serine 203 with leucine.
Molecular consequence: missense variant.
Genome position (GRCh38, 1-based): chr18:2,674,115, C>T. VCF-style: chr18-2674115-C-T. GRCh37 (hg19) VCF-style: chr18-2674114-C-T.
Other names: short protein forms S203L.
Identifiers: ClinVar variation 1366465 (VCV001366465.8), dbSNP rs1598294699, ClinGen allele CA401690267.

ClinVar aggregate classification (germline): Uncertain significance (1 of 4 stars; one submission).

Conditions:
Facioscapulohumeral muscular dystrophy 2 (FSHD2). Also called: MUSCULAR DYSTROPHY, FACIOSCAPULOHUMERAL, TYPE 1B; FACIOSCAPULOHUMERAL MUSCULAR DYSTROPHY 2, DIGENIC; FSHD2, DIGENIC. Identifiers: Orphanet 269, MedGen C1834671, MONDO:0008031, OMIM 158901.

Submission:

Labcorp Genetics (formerly Invitae), Labcorp
Classification: Uncertain significance for Facioscapulohumeral muscular dystrophy 2. Last evaluated: 2022-07-19. Review status: criteria provided, single submitter. Criteria: Invitae Variant Classification Sherloc (09022015). Collection method: clinical testing. Allele origin: germline.
Comment: In summary, the available evidence is currently insufficient to determine the role of this variant in disease. Therefore, it has been classified as a Variant of Uncertain Significance. Algorithms developed to predict the effect of missense changes on protein structure and function (SIFT, PolyPhen-2, Align-GVGD) all suggest that this variant is likely to be disruptive. ClinVar contains an entry for this variant (Variation ID: 1366465). This variant has not been reported in the literature in individuals affected with SMCHD1-related conditions. This variant is not present in population databases (gnomAD no frequency). This sequence change replaces serine, which is neutral and polar, with leucine, which is neutral and non-polar, at codon 203 of the SMCHD1 protein (p.Ser203Leu).